The following is an entry in ClinVar:

ClinVar aggregate classification (germline): Uncertain significance (1 of 4 stars; one submission).

Conditions:
Inborn genetic diseases. Identifiers: MedGen C0950123, MeSH D030342.

gnomAD v4.1: 1 of 1,607,234 alleles (0.000062%); highest among the groups gnomAD compares: Non-Finnish European, 0.000085%; no homozygotes.

Submission:

Ambry Genetics
Classification: Uncertain significance for Inborn genetic diseases. Last evaluated: 2025-05-31. Review status: criteria provided, single submitter. Criteria: Ambry Variant Classification Scheme 2023. Collection method: clinical testing. Allele origin: germline.
Comment: The p.R596L variant (also known as c.1787G>T), located in coding exon 10 of the FANCM gene, results from a G to T substitution at nucleotide position 1787. The arginine at codon 596 is replaced by leucine, an amino acid with dissimilar properties. This amino acid position is conserved. In addition, the in silico prediction for this alteration is inconclusive. Based on the available evidence, the clinical significance of this variant remains unclear.

NM_020937.4(FANCM):c.1787G>T (p.Arg596Leu)

Gene: FANCM (FA complementation group M; plus strand). Cytogenetic location: 14q21.2.
Variant type: single nucleotide variant.
Coding change: c.1787G>T on transcript NM_020937.4 (MANE Select); coding-DNA position 1787, G replaced by T.
Protein change: p.Arg596Leu; replaces arginine 596 with leucine.
Molecular consequence: missense variant.
Genome position (GRCh38, 1-based): chr14:45,164,564, G>T. VCF-style: chr14-45164564-G-T. GRCh37 (hg19) VCF-style: chr14-45633767-G-T.
Other names: c.1709G>T, p.Arg570Leu (NM_001308133.2); c.1787G>T, p.Arg596Leu (NM_001308134.2); short protein forms R596L, R570L.
Identifiers: ClinVar variation 4022839 (VCV004022839.1).
Genomic context (GRCh38, chr14:45,164,564, plus strand): 5'-GAACTGGCCGTAAACGTCAAGGCAGGATAGTTATTATCCTTTCTGAAGGACGAGAGGAAC[G>T]TGTAAGTAGAGCTGCAGAAACACAATTTGACACTTGAAATTTGAGAAATACAGCCCAAAG-3'
Protein context (NP_065988.1, residues 586-606): VIILSEGREE[Arg596Leu]IYNQSQSNKR